The following is an entry in ClinVar:

ClinVar aggregate classification (germline): Uncertain significance (1 of 4 stars; one submission).

Conditions:
MEPE-related disorder. Also called: MEPE-related condition.

gnomAD v4.1: 59 of 1,613,888 alleles (0.0037%); highest among the groups gnomAD compares: South Asian, 0.06%; no homozygotes.

Submission:

PreventionGenetics, part of Exact Sciences
Classification: Uncertain significance for MEPE-related condition. Last evaluated: 2025-12-13. Review status: criteria provided, single submitter. Criteria: ACMG Guidelines, 2015. Collection method: clinical testing. Allele origin: germline.
Comment: The MEPE c.589G>A variant is predicted to result in the amino acid substitution p.Glu197Lys. To our knowledge, this variant has not been reported in the literature. This variant is reported in 0.043% of alleles in individuals of South Asian descent in gnomAD. At this time, the clinical significance of this variant is uncertain due to the absence of conclusive functional and genetic evidence.

NM_020203.6(MEPE):c.496G>A (p.Glu166Lys)

Genes: MEPE (matrix extracellular phosphoglycoprotein; plus strand), MEPE-AS1 (MEPE and IBSP antisense RNA 1; minus strand). Cytogenetic location: 4q22.1.
Variant type: single nucleotide variant.
Coding change: c.496G>A on transcript NM_020203.6 (MANE Select); coding-DNA position 496, G replaced by A.
Protein change: p.Glu166Lys; replaces glutamic acid 166 with lysine.
Molecular consequence: missense variant.
Genome position (GRCh38, 1-based): chr4:87,845,364, G>A. VCF-style: chr4-87845364-G-A. GRCh37 (hg19) VCF-style: chr4-88766516-G-A.
Other names: c.496G>A, p.Glu166Lys (NM_001184694.3); c.157G>A, p.Glu53Lys (NM_001184695.4, NM_001184696.2, NM_001184697.2); c.589G>A, p.Glu197Lys (NM_001291183.2); short protein forms E166K, E53K, E197K.
Identifiers: ClinVar variation 4984391 (VCV004984391.1).